The following is an entry in ClinVar:

NM_000016.6(ACADM):c.468T>G (p.Cys156Trp)

Gene: ACADM (acyl-CoA dehydrogenase medium chain; plus strand). Cytogenetic location: 1p31.1.
Variant type: single nucleotide variant.
Coding change: c.468T>G on transcript NM_000016.6 (MANE Select); coding-DNA position 468, T replaced by G.
Protein change: p.Cys156Trp; replaces cysteine 156 with tryptophan.
Molecular consequence: missense variant. On other transcripts: intron variant (1).
Genome position (GRCh38, 1-based): chr1:75,734,871, T>G. VCF-style: chr1-75734871-T-G. GRCh37 (hg19) VCF-style: chr1-76200556-T-G.
Other names: c.480T>G, p.Cys160Trp (NM_001127328.3); c.360T>G, p.Cys120Trp (NM_001286042.2); c.567T>G, p.Cys189Trp (NM_001286043.2); c.-100+1949T>G (NM_001286044.2); short protein forms C156W, C189W, C120W, C160W.
Identifiers: ClinVar variation 836736 (VCV000836736.9), dbSNP rs1647214213, ClinGen allele CA340813076.
Genomic context (GRCh38, chr1:75,734,871, plus strand): 5'-TGGAAATGATCAACAAAAGAAGAAGTATTTGGGGAGAATGACTGAGGAGCCATTGATGTG[T>G]GTGAGTATGTGTAACTGCCGCTTTATTTCACACTTAAGAAGGGAACAAAGGTGCTATTTC-3'
Protein context (NP_000007.1, residues 146-166): LGRMTEEPLM[Cys156Trp]AYCVTEPGAG

ClinVar aggregate classification (germline): Uncertain significance (1 of 4 stars; one submission).

Conditions:
Medium-chain acyl-coenzyme A dehydrogenase deficiency (ACADMD). Also called: MCADH DEFICIENCY; ACADM DEFICIENCY; MCADD; MCAD Deficiency; CARNITINE DEFICIENCY SECONDARY TO MEDIUM-CHAIN ACYL-CoA DEHYDROGENASE DEFICIENCY; Medium chain acyl-CoA dehydrogenase deficiency. Identifiers: Orphanet 42, MedGen C0220710, MONDO:0008721, OMIM 201450.

Submission:

Labcorp Genetics (formerly Invitae), Labcorp
Classification: Uncertain significance for Medium-chain acyl-coenzyme A dehydrogenase deficiency. Last evaluated: 2019-03-28. Review status: criteria provided, single submitter. Criteria: Invitae Variant Classification Sherloc (09022015). Collection method: clinical testing. Allele origin: germline.
Comment: This sequence change replaces cysteine with tryptophan at codon 156 of the ACADM protein (p.Cys156Trp). The cysteine residue is highly conserved and there is a large physicochemical difference between cysteine and tryptophan. In summary, the available evidence is currently insufficient to determine the role of this variant in disease. Therefore, it has been classified as a Variant of Uncertain Significance. Algorithms developed to predict the effect of sequence changes on RNA splicing suggest that this variant may create or strengthen a splice site, but this prediction has not been confirmed by published transcriptional studies. Algorithms developed to predict the effect of missense changes on protein structure and function are either unavailable or do not agree on the potential impact of this missense change (SIFT: "Deleterious"; PolyPhen-2: "Possibly Damaging"; Align-GVGD: "Class C15"). This variant has not been reported in the literature in individuals with ACADM-related conditions. This variant is not present in population databases (ExAC no frequency).